The following is an entry in ClinVar:

NM_000038.6(APC):c.194del (p.Gln65fs)

Gene: APC (APC regulator of Wnt signaling pathway; plus strand). Cytogenetic location: 5q22.2.
Variant type: Deletion.
Coding change: c.194del on transcript NM_000038.6 (MANE Select); coding-DNA position 194, one base deleted (A; older notation c.194delA).
Protein change: p.Gln65fs; shifts the reading frame from glutamine 65.
Molecular consequence: frameshift variant. On other transcripts: 5 prime UTR variant (1).
Genome position (GRCh38, 1-based): chr5:112,766,384, A deleted. VCF-style (leftmost placement, unchanged base first): chr5-112766383-CA-C. GRCh37 (hg19) VCF-style: chr5-112102080-CA-C.
Other names: c.194del, p.Gln65fs (NM_001127510.3, NM_001354895.2, NM_001354896.2 and 2 more transcripts); c.224del, p.Gln75fs (NM_001127511.3, NM_001354897.2, NM_001354902.2); c.119del, p.Gln40fs (NM_001354898.2, NM_001354904.2); c.17del, p.Gln6fs (NM_001354900.2, NM_001354901.2, NM_001354905.2); c.-842del (NM_001354906.2); short protein forms Q40fs, Q65fs, Q6fs, Q75fs.
Identifiers: ClinVar variation 1049811 (VCV001049811.1), dbSNP rs2149784543, ClinGen allele CA2499217413.

ClinVar aggregate classification (germline): Pathogenic (0 of 4 stars; one submission).

Conditions:
Carcinoma of colon (CRC). Also called: Colonic carcinoma; Colon carcinoma. Identifiers: MedGen C0699790, MONDO:0002032.

Submission:

Department of Pathology and Laboratory Medicine, Sinai Health System
Classification: Pathogenic for Carcinoma of colon. Review status: no assertion criteria provided. Collection method: clinical testing. Allele origin: unknown. Affected: yes. Study: The Canadian Open Genetics Repository (COGR).
Comment: The APC p.Gln65Argfs*5 variant was not identified in the literature nor was it identified in dbSNP, ClinVar, LOVD 3.0, UMD-LSDB, Exome Aggregation Consortium (August 8th 2016) or the Genome Aggregation Database (Feb 27, 2017). The c.194del variant is predicted to cause a frameshift, which alters the protein's amino acid sequence beginning at codon 65 and leads to a premature stop codon at position 69. This alteration is then predicted to result in a truncated or absent protein and loss of function. Loss of function variants of the APC gene are an established mechanism of disease in familial adenomatous polyposis and is the type of variant expected to cause the disorder. In summary, based on the above information, this variant meets our laboratoryâ€šÃ„Ã´s criteria to be classified as pathogenic.